The following is an entry in ClinVar:

ClinVar aggregate classification (germline): Uncertain significance (0 of 4 stars; one submission).

Conditions:
Nephrotic syndrome. Identifiers: MedGen C0027726, MONDO:0005377, HP:0000100.

Allele frequency attached by ClinVar (database versions not stated): gnomAD exomes below 0.00001; ExAC 0.00001; gnomAD 0.00001; TOPMed 0.00001.
gnomAD v4.1: 3 of 1,613,970 alleles (0.00019%); highest among the groups gnomAD compares: African/African-American, 0.004%; no homozygotes.

Submission:

Sydney Genome Diagnostics, Children's Hospital Westmead
Classification: Uncertain significance for Nephrotic syndrome. Last evaluated: 2018-11-15. Review status: no assertion criteria provided. Collection method: clinical testing. Allele origin: unknown. Affected: yes. Observed: 1 variant allele, 1 heterozygote.
Comment: To our knowledge, this variant has not been previously reported in the literature or any disease specific databases to be a disease causing variant. This variant has been reported in the gnomAD browser with a very low allele frequency of 0.0004% (1 out of 246,000 alleles). In silico analysis of pathogenicity (through Alamut Visual v2.8.1) using PolyPhen2, SIFT and MutationTaster suggest that this variant is likely to be pathogenic. However, this analysis alone cannot be used to confirm pathogenicity. This variant is considered to be a variant of uncertain clinical significance (VOUS) according to the ACMG guidelines (evidence used PM2, PP3).

NM_001025616.3(ARHGAP24):c.550A>G (p.Lys184Glu)

Gene: ARHGAP24 (Rho GTPase activating protein 24; plus strand). Cytogenetic location: 4q21.23.
Variant type: single nucleotide variant.
Coding change: c.550A>G on transcript NM_001025616.3 (MANE Select); coding-DNA position 550, A replaced by G.
Protein change: p.Lys184Glu; replaces lysine 184 with glutamic acid.
Molecular consequence: missense variant. On other transcripts: intron variant (1).
Genome position (GRCh38, 1-based): chr4:85,942,224, A>G. VCF-style: chr4-85942224-A-G. GRCh37 (hg19) VCF-style: chr4-86863377-A-G.
Other names: c.265A>G, p.Lys89Glu (NM_001042669.2); c.295A>G, p.Lys99Glu (NM_001287805.2); c.271A>G, p.Lys91Glu (NM_031305.3); c.20+18454A>G (NM_001346093.2); short protein forms K184E, K89E, K91E, K99E.
Identifiers: ClinVar variation 988215 (VCV000988215.1), dbSNP rs776254762, ClinGen allele CA2994520.